The following is an entry in ClinVar:

NM_001164508.2(NEB):c.8219C>A (p.Thr2740Asn)

Gene: NEB (nebulin; minus strand). Cytogenetic location: 2q23.3.
Variant type: single nucleotide variant.
Coding change: c.8219C>A on transcript NM_001164508.2 (MANE Select); coding-DNA position 8219, C replaced by A.
Protein change: p.Thr2740Asn; replaces threonine 2740 with asparagine.
Molecular consequence: missense variant.
Genome position (GRCh38, 1-based): chr2:151,642,811, G>T on the plus strand (C>A on the coding strand, the complement: NEB is on the minus strand). VCF-style: chr2-151642811-G-T. GRCh37 (hg19) VCF-style: chr2-152499325-G-T.
Other names: c.8219C>A, p.Thr2740Asn (NM_001164507.2, NM_001271208.2, NM_004543.5); short protein forms T2740N.
Identifiers: ClinVar variation 2072148 (VCV002072148.1), dbSNP rs763429938, ClinGen allele CA1909649.

ClinVar aggregate classification (germline): Uncertain significance (1 of 4 stars; one submission).

Conditions:
Nemaline myopathy 2 (NEM2). Also called: Nemaline myopathy 2, autosomal recessive. Identifiers: MedGen C1850569, MONDO:0009725, OMIM 256030.

Allele frequency attached by ClinVar (database versions not stated): ExAC 0.00001; gnomAD 0.00001.
gnomAD v4.1: 32 of 1,612,890 alleles (0.002%); highest among the groups gnomAD compares: Non-Finnish European, 0.0025%; no homozygotes.

Submission:

Labcorp Genetics (formerly Invitae), Labcorp
Classification: Uncertain significance for Nemaline myopathy 2. Last evaluated: 2021-08-27. Review status: criteria provided, single submitter. Criteria: Invitae Variant Classification Sherloc (09022015). Collection method: clinical testing. Allele origin: germline.
Comment: This sequence change replaces threonine with asparagine at codon 2740 of the NEB protein (p.Thr2740Asn). The threonine residue is moderately conserved and there is a small physicochemical difference between threonine and asparagine. This variant is present in population databases (rs763429938, ExAC 0.002%). This variant has not been reported in the literature in individuals affected with NEB-related conditions. Algorithms developed to predict the effect of missense changes on protein structure and function are either unavailable or do not agree on the potential impact of this missense change (SIFT: "Deleterious"; PolyPhen-2: "Not Available"; Align-GVGD: "Class C0"). In summary, the available evidence is currently insufficient to determine the role of this variant in disease. Therefore, it has been classified as a Variant of Uncertain Significance.